The following is an entry in ClinVar:

ClinVar aggregate classification (germline): Conflicting classifications of pathogenicity. Review status: criteria provided, conflicting classifications (1 of 4 stars). 2 submissions from 2 submitters: Uncertain significance (1); Likely benign (1). Last evaluated 2026-03-29.

Conditions:
Inborn genetic diseases. Identifiers: MedGen C0950123, MeSH D030342.
Fanconi anemia (FA). Also called: Fanconi's anemia. Identifiers: Orphanet 84, MedGen C0015625, MeSH D005199, MONDO:0019391.

Submissions (2):

Ambry Genetics
Classification: Likely benign for Inborn genetic diseases. Last evaluated: 2026-03-29. Review status: criteria provided, single submitter. Criteria: Ambry Variant Classification Scheme 2023. Collection method: clinical testing. Allele origin: germline.

Labcorp Genetics (formerly Invitae), Labcorp
Classification: Uncertain significance for Fanconi anemia. Last evaluated: 2023-09-17. Review status: criteria provided, single submitter. Criteria: Invitae Variant Classification Sherloc (09022015). Collection method: clinical testing. Allele origin: germline.
Comment: This sequence change replaces serine, which is neutral and polar, with leucine, which is neutral and non-polar, at codon 1707 of the FANCM protein (p.Ser1707Leu). This variant is not present in population databases (gnomAD no frequency). This variant has not been reported in the literature in individuals affected with FANCM-related conditions. Algorithms developed to predict the effect of missense changes on protein structure and function output the following: SIFT: "Not Available"; PolyPhen-2: "Benign"; Align-GVGD: "Not Available". The leucine amino acid residue is found in multiple mammalian species, which suggests that this missense change does not adversely affect protein function. In summary, the available evidence is currently insufficient to determine the role of this variant in disease. Therefore, it has been classified as a Variant of Uncertain Significance.

NM_020937.4(FANCM):c.5120C>T (p.Ser1707Leu)

Gene: FANCM (FA complementation group M; plus strand). Cytogenetic location: 14q21.2.
Variant type: single nucleotide variant.
Coding change: c.5120C>T on transcript NM_020937.4 (MANE Select); coding-DNA position 5120, C replaced by T.
Protein change: p.Ser1707Leu; replaces serine 1707 with leucine.
Molecular consequence: missense variant.
Genome position (GRCh38, 1-based): chr14:45,189,142, C>T. VCF-style: chr14-45189142-C-T. GRCh37 (hg19) VCF-style: chr14-45658345-C-T.
Other names: c.5042C>T, p.Ser1681Leu (NM_001308133.2); short protein forms S1681L, S1707L.
Identifiers: ClinVar variation 2761279 (VCV002761279.4), dbSNP rs2503245201, ClinGen allele CA389612515.